The following is an entry in ClinVar:

NM_001136157.2(OTUD5):c.1168A>C (p.Asn390His)

Gene: OTUD5 (OTU deubiquitinase 5; minus strand). Cytogenetic location: Xp11.23.
Variant type: single nucleotide variant.
Coding change: c.1168A>C on transcript NM_001136157.2 (MANE Select); coding-DNA position 1168, A replaced by C.
Protein change: p.Asn390His; replaces asparagine 390 with histidine.
Molecular consequence: missense variant.
Genome position (GRCh38, 1-based): chrX:48,925,942, T>G on the plus strand (A>C on the coding strand, the complement: OTUD5 is on the minus strand). VCF-style: chrX-48925942-T-G. GRCh37 (hg19) VCF-style: chrX-48783218-T-G.
Other names: c.1168A>C, p.Asn390His (NM_001136158.2); c.517A>C, p.Asn173His (NM_001136159.2); c.1183A>C, p.Asn395His (NM_017602.4); short protein forms N173H, N390H, N395H.
Identifiers: ClinVar variation 3902870 (VCV003902870.1).

ClinVar aggregate classification (germline): Uncertain significance (1 of 4 stars; one submission).

Submission:

GeneDx
Classification: Uncertain significance. Last evaluated: 2024-12-11. Review status: criteria provided, single submitter. Criteria: GeneDx Variant Classification Process June 2021. Collection method: clinical testing. Allele origin: germline. Affected: yes.
Comment: Not observed at significant frequency in large population cohorts (gnomAD); In silico analysis supports that this missense variant has a deleterious effect on protein structure/function; Has not been previously published as pathogenic or benign to our knowledge